The following is an entry in ClinVar:

NM_001291815.2(HMCN2):c.612+23A>G

Gene: HMCN2 (hemicentin 2; plus strand). Cytogenetic location: 9q34.11.
Variant type: single nucleotide variant.
Coding change: c.612+23A>G on transcript NM_001291815.2 (MANE Select); 23 bases into the intron after coding-DNA position 612, A replaced by G.
Molecular consequence: intron variant.
Genome position (GRCh38, 1-based): chr9:130,286,333, A>G. VCF-style: chr9-130286333-A-G. GRCh37 (hg19) VCF-style: chr9-133048612-A-G.
Identifiers: ClinVar variation 3765802 (VCV003765802.1).
Genomic context (GRCh38, chr9:130,286,333, plus strand): 5'-GGCAGGTGTTCCACCTGGACAAGCAGCAAGTGACAGAGGTGAGCACTGGGAGGGGGCACC[A>G]TCCCGGAGCCCATCACTCGGGCACGGTGAGGACACTGACCATCCCTGTGGCTCCAGGTGG-3'

ClinVar aggregate classification (germline): Uncertain significance (1 of 4 stars; one submission).

Submission:

Greenwood Genetic Center Diagnostic Laboratories, Greenwood Genetic Center
Classification: Uncertain significance. Last evaluated: 2024-07-11. Review status: criteria provided, single submitter. Criteria: ACMG Guidelines, 2015. Collection method: clinical testing. Allele origin: germline. Affected: yes.
Comment: PM2, BP4